The following is an entry in ClinVar:

NM_001330260.2(SCN8A):c.19G>C (p.Ala7Pro)

Genes: SCN8A (sodium voltage-gated channel alpha subunit 8; plus strand), LOC114803470 (SCN8A eExon liver enhancer; plus strand). Cytogenetic location: 12q13.13.
Variant type: single nucleotide variant.
Coding change: c.19G>C on transcript NM_001330260.2 (MANE Select); coding-DNA position 19, G replaced by C.
Protein change: p.Ala7Pro; replaces alanine 7 with proline.
Molecular consequence: missense variant.
Genome position (GRCh38, 1-based): chr12:51,662,836, G>C. VCF-style: chr12-51662836-G-C. GRCh37 (hg19) VCF-style: chr12-52056620-G-C.
Other names: c.19G>C, p.Ala7Pro (NM_001177984.3, NM_001369788.1, NM_014191.4); short protein forms A7P.
Identifiers: ClinVar variation 1318212 (VCV001318212.2), dbSNP rs896109778, ClinGen allele CA385227412.

ClinVar aggregate classification (germline): Uncertain significance (1 of 4 stars; one submission).

Submission:

GeneDx
Classification: Uncertain significance. Last evaluated: 2019-10-16. Review status: criteria provided, single submitter. Criteria: GeneDx Variant Classification Process June 2021. Collection method: clinical testing. Allele origin: germline. Affected: yes.
Comment: Not observed in large population cohorts (Lek et al., 2016); The majority of missense variants in this gene are considered pathogenic (Stenson et al., 2014); In silico analysis, which includes protein predictors and evolutionary conservation, supports that this variant does not alter protein structure/function; Has not been previously published as pathogenic or benign to our knowledge